The following is an entry in ClinVar:

NM_000059.4(BRCA2):c.7877G>A (p.Trp2626Ter)

Gene: BRCA2 (BRCA2 DNA repair associated; plus strand). Cytogenetic location: 13q13.1.
Variant type: single nucleotide variant.
Coding change: c.7877G>A on transcript NM_000059.4 (MANE Select); coding-DNA position 7877, G replaced by A.
Protein change: p.Trp2626Ter; replaces tryptophan 2626 with a stop codon.
Molecular consequence: nonsense.
Genome position (GRCh38, 1-based): chr13:32,362,594, G>A. VCF-style: chr13-32362594-G-A. GRCh37 (hg19) VCF-style: chr13-32936731-G-A.
Other names: short protein forms W2626*.
Identifiers: ClinVar variation 141118 (VCV000141118.21), dbSNP rs587781506, ClinGen allele CA025317.

ClinVar aggregate classification (germline): Pathogenic. Review status: reviewed by expert panel (3 of 4 stars). 6 submissions from 6 submitters: Pathogenic (1). 5 of the submissions do not count toward it. Last evaluated 2016-09-08.

Conditions:
Hereditary cancer-predisposing syndrome. Also called: Neoplastic Syndromes, Hereditary; Hereditary Cancer Syndrome; Hereditary neoplastic syndrome; Tumor predisposition. Identifiers: Orphanet 140162, MedGen C0027672, MeSH D009386, MONDO:0015356.
Hereditary breast ovarian cancer syndrome. Also called: Hereditary breast and ovarian cancer syndrome; Hereditary breast and/or ovarian cancer syndrome; BRCA1- and BRCA2-Associated Hereditary Breast and Ovarian Cancer; Hereditary breast and ovarian cancer; Breast and ovarian cancer; Hereditary breast and ovarian cancer syndrome (HBOC). Identifiers: Orphanet 145, MedGen C0677776, MeSH D061325, MONDO:0003582. Disease mechanism: loss of function.
Ovarian neoplasm. Also called: Neoplasm of ovary; Ovarian tumor; Ovarian Neoplasms. Identifiers: MedGen C0919267, MeSH D010051, MONDO:0021068, HP:0100615.
Breast-ovarian cancer, familial, susceptibility to, 2 (BROVCA2). Also called: BRCA2 Hereditary Breast and Ovarian Cancer. Identifiers: Orphanet 145, MedGen C2675520, MONDO:0012933, OMIM 612555. Disease mechanism: loss of function.
Breast carcinoma. Also called: Carcinoma of breast. Identifiers: MedGen C0678222, MONDO:0004989, HP:0003002.

Submissions (6):

Evidence-based Network for the Interpretation of Germline Mutant Alleles (ENIGMA)
Classification: Pathogenic for Breast-ovarian cancer, familial, susceptibility to, 2. Last evaluated: 2016-09-08. Review status: reviewed by expert panel. Criteria: ENIGMA BRCA1/2 Classification Criteria (2015). Collection method: curation. Allele origin: germline.
Comment: Variant allele predicted to encode a truncated non-functional protein.

Labcorp Genetics (formerly Invitae), Labcorp
Classification: Pathogenic for Hereditary breast ovarian cancer syndrome. Last evaluated: 2024-07-15. Review status: criteria provided, single submitter. Criteria: Invitae Variant Classification Sherloc (09022015). Collection method: clinical testing. Allele origin: germline. Not counted in ClinVar's aggregate classification.
Comment: This sequence change creates a premature translational stop signal (p.Trp2626*) in the BRCA2 gene. It is expected to result in an absent or disrupted protein product. Loss-of-function variants in BRCA2 are known to be pathogenic (PMID: 20104584). This variant is not present in population databases (gnomAD no frequency). This variant has not been reported in the literature in individuals affected with BRCA2-related conditions. ClinVar contains an entry for this variant (Variation ID: 141118). Algorithms developed to predict the effect of sequence changes on RNA splicing suggest that this variant may disrupt the consensus splice site. For these reasons, this variant has been classified as Pathogenic.

Ambry Genetics
Classification: Pathogenic for Hereditary cancer-predisposing syndrome. Last evaluated: 2016-11-03. Review status: criteria provided, single submitter. Criteria: Ambry Variant Classification Scheme 2023. Collection method: clinical testing. Allele origin: germline. Not counted in ClinVar's aggregate classification.
Comment: The p.W2626* pathogenic mutation (also known as c.7877G>A), located in coding exon 16 of the BRCA2 gene, results from a G to A substitution at nucleotide position 7877. This changes the amino acid from a tryptophan to a stop codon within coding exon 16. This alteration is expected to result in loss of function by premature protein truncation or nonsense-mediated mRNA decay. As such, this alteration is interpreted as a disease-causing mutation.

Consortium of Investigators of Modifiers of BRCA1/2 (CIMBA), c/o University of Cambridge
Classification: Pathogenic for Breast-ovarian cancer, familial, susceptibility to, 2. Last evaluated: 2015-10-02. Review status: criteria provided, single submitter. Criteria: CIMBA Mutation Classification guidelines May 2016. Collection method: clinical testing. Allele origin: germline. Not counted in ClinVar's aggregate classification.

Medical Genetics Laboratory, Umraniye Training and Research Hospital, University of Health Sciences
Classification: Pathogenic for Breast carcinoma. Last evaluated: 2021-08-21. Review status: no assertion criteria provided. Collection method: clinical testing. Allele origin: germline. Inheritance: Autosomal dominant inheritance. Affected: yes. Observed: 1 variant allele, 1 heterozygote. Not counted in ClinVar's aggregate classification.
Comment: Invasive Breast Carcinoma EST= + PRO = + HER2 = - KI = 40%

German Consortium for Hereditary Breast and Ovarian Cancer, University Hospital Cologne
Classification: Pathogenic for Ovarian neoplasm. Last evaluated: 2018-12-01. Review status: no assertion criteria provided. Collection method: research. Allele origin: germline. Affected: yes. Not counted in ClinVar's aggregate classification.

Literature cited by the submitters: PubMed 20104584 (cited by Labcorp Genetics (formerly Invitae), Labcorp).